The following is an entry in ClinVar:

NM_006415.4(SPTLC1):c.690+1G>A

Gene: SPTLC1 (serine palmitoyltransferase long chain base subunit 1; minus strand). Cytogenetic location: 9q22.31.
Variant type: single nucleotide variant.
Coding change: c.690+1G>A on transcript NM_006415.4 (MANE Select); the canonical splice donor site of the intron after coding-DNA position 690, G replaced by A.
Molecular consequence: splice donor variant.
Genome position (GRCh38, 1-based): chr9:92,059,178, C>T on the plus strand (G>A on the coding strand, the complement: SPTLC1 is on the minus strand). VCF-style: chr9-92059178-C-T. GRCh37 (hg19) VCF-style: chr9-94821460-C-T.
Other names: c.690+1G>A (NM_001281303.2); c.324+1G>A (NM_001368272.1); c.225+1G>A (NM_001368273.1).
Identifiers: ClinVar variation 1723394 (VCV001723394.4), dbSNP rs1388096991, ClinGen allele CA373795464.
Genomic context (GRCh38, chr9:92,059,178, plus strand): 5'-TATAATTTAGCTGGTTAGAAAGTACAAAAGAACTGTATAATTTTCTTCAAAAGAATCATA[C>T]CTTTTGATCTTCGATCTCTTGTTCTTTTAGTAGTCGCTCGAGGTCAGCCATGTCATTATG-3'

ClinVar aggregate classification (germline): Uncertain significance. Review status: criteria provided, multiple submitters, no conflicts (2 of 4 stars). 2 submissions from 2 submitters: Uncertain significance (2). Last evaluated 2023-06-23.

Conditions:
Hereditary sensory and autonomic neuropathy type 1 (HSAN1). Also called: HSAN 1; HSN Type I; Hereditary Sensory Neuropathy Type I. Identifiers: Orphanet 36386, MedGen C0020071, MONDO:0018213.

gnomAD v4.1: 3 of 1,612,332 alleles (0.00019%); highest among the groups gnomAD compares: Non-Finnish European, 0.00025%; no homozygotes.

Submissions (2):

Labcorp Genetics (formerly Invitae), Labcorp
Classification: Uncertain significance for Hereditary sensory and autonomic neuropathy type 1. Last evaluated: 2023-06-23. Review status: criteria provided, single submitter. Criteria: Invitae Variant Classification Sherloc (09022015). Collection method: clinical testing. Allele origin: germline.
Comment: This sequence change affects a donor splice site in intron 7 of the SPTLC1 gene. It is expected to disrupt RNA splicing. Variants that disrupt the donor or acceptor splice site typically lead to a loss of protein function (PMID: 16199547), however the current clinical and genetic evidence is not sufficient to establish whether loss-of-function variants in SPTLC1 cause disease. This variant is present in population databases (no rsID available, gnomAD 0.0009%). This variant has not been reported in the literature in individuals affected with SPTLC1-related conditions. ClinVar contains an entry for this variant (Variation ID: 1723394). Algorithms developed to predict the effect of sequence changes on RNA splicing suggest that this variant may disrupt the consensus splice site. In summary, the available evidence is currently insufficient to determine the role of this variant in disease. Therefore, it has been classified as a Variant of Uncertain Significance.

Women's Health and Genetics/Laboratory Corporation of America, LabCorp
Classification: Uncertain significance. Last evaluated: 2022-10-27. Review status: criteria provided, single submitter. Criteria: LabCorp Variant Classification Summary - May 2015. Collection method: clinical testing. Allele origin: germline.
Comment: Variant summary: SPTLC1 c.690+1G>A is located in a canonical splice-site and is predicted to affect mRNA splicing resulting in a significantly altered protein due to either exon skipping, shortening, or inclusion of intronic material. Several computational tools predict a significant impact on normal splicing: Four predict the variant abolishes the canonical 5' splicing donor site. However, these predictions have yet to be confirmed by functional studies. Loss of function variants have not been classified pathogenic for this gene in ClinVar. The variant allele was found at a frequency of 4e-06 in 249814 control chromosomes (gnomAD). The available data on variant occurrences in the general population are insufficient to allow any conclusion about variant significance. To our knowledge, no occurrence of c.690+1G>A in individuals affected with Neuropathy, Hereditary Sensory And Autonomic, Type 1A and no experimental evidence demonstrating its impact on protein function have been reported. No clinical diagnostic laboratories have submitted clinical-significance assessments for this variant to ClinVar after 2014. Based on the evidence outlined above, the variant was classified as uncertain significance.

Literature cited by the submitters: PubMed 16199547 (cited by Labcorp Genetics (formerly Invitae), Labcorp).